The following is an entry in ClinVar:

NM_000340.2(SLC2A2):c.1242del (p.Pro415fs)

Gene: SLC2A2 (solute carrier family 2 member 2; minus strand). Cytogenetic location: 3q26.2.
Variant type: Deletion.
Coding change: c.1242del on transcript NM_000340.2 (MANE Select); coding-DNA position 1242, one base deleted (G; older notation c.1242delG).
Protein change: p.Pro415fs; shifts the reading frame from proline 415.
Molecular consequence: frameshift variant.
Genome position (GRCh38, 1-based): chr3:170,998,325, C deleted on the plus strand (G on the coding strand, the reverse complement: SLC2A2 is on the minus strand); the first of 3 consecutive C bases (chr3:170,998,325-170,998,327); deleting any one gives the same sequence. VCF-style (leftmost placement, unchanged base first): chr3-170998324-GC-G. GRCh37 (hg19) VCF-style: chr3-170716113-GC-G.
Other names: c.885del, p.Pro296fs (NM_001278658.2); c.723del, p.Pro242fs (NM_001278659.2); short protein forms P242fs, P296fs, P415fs.
Identifiers: ClinVar variation 5038194 (VCV005038194.1).

ClinVar aggregate classification (germline): Pathogenic (1 of 4 stars; one submission).

Conditions:
Fanconi-Bickel syndrome (FBS). Also called: PSEUDO-PHLORIZIN DIABETES; FANCONI SYNDROME WITH INTESTINAL MALABSORPTION AND GALACTOSE INTOLERANCE; HEPATIC GLYCOGENOSIS WITH AMINO ACIDURIA AND GLUCOSURIA; HEPATIC GLYCOGENOSIS WITH FANCONI NEPHROPATHY; HEPATORENAL GLYCOGENOSIS WITH RENAL FANCONI SYNDROME; Glycogen storage disease due to GLUT2 deficiency. Identifiers: Orphanet 2088, MedGen C3495427, MONDO:0009216, OMIM 227810.

Submission:

MVZ Medizinische Genetik Mainz
Classification: Pathogenic for Fanconi-Bickel syndrome. Last evaluated: 2026-03-06. Review status: criteria provided, single submitter. Criteria: UK Practice Guidelines For Variant Classification V4 01 2020. Collection method: clinical testing. Allele origin: germline. Inheritance: Autosomal recessive inheritance. Affected: yes. Observed: 1 variant allele.
Comment: ACMG Criteria: PVS1,PM2_SUP,PM3_SUP,PP4